The following is an entry in ClinVar:

NM_022742.5(CCDC136):c.1158C>T (p.Asn386=)

Gene: CCDC136 (coiled-coil domain containing 136; plus strand). Cytogenetic location: 7q32.1.
Variant type: single nucleotide variant.
Coding change: c.1158C>T on transcript NM_022742.5 (MANE Select); coding-DNA position 1158, C replaced by T.
Protein change: p.Asn386=; no amino-acid change (asparagine 386 retained).
Molecular consequence: synonymous variant. On other transcripts: intron variant (3).
Genome position (GRCh38, 1-based): chr7:128,806,305, C>T. VCF-style: chr7-128806305-C-T. GRCh37 (hg19) VCF-style: chr7-128446359-C-T.
Other names: c.1308C>T, p.Asn436= (NM_001363423.2, NM_001367763.1, NM_001367764.1); c.1272C>T, p.Asn424= (NM_001363424.2, NM_001367762.1); c.1158C>T, p.Asn386= (NM_001367765.1); c.1239+404C>T (NM_001367761.1); c.1203+404C>T (NM_001201372.2); c.1089+404C>T (NM_001367766.1).
Identifiers: ClinVar variation 3025090 (VCV003025090.22), dbSNP rs146397482, ClinGen allele CA4473407.

ClinVar aggregate classification (germline): Likely benign (1 of 4 stars; one submission).

Allele frequency attached by ClinVar (database versions not stated): 1000 Genomes Project 0.00060; 1000 Genomes Project 30x 0.00109; ESP Exome Variant Server 0.00280; gnomAD 0.00303; TOPMed 0.00318; gnomAD exomes 0.00398; ExAC 0.00408.

Submission:

CeGaT Center for Human Genetics Tuebingen
Classification: Likely benign. Last evaluated: 2024-02-01. Review status: criteria provided, single submitter. Criteria: CeGaT Center For Human Genetics Tuebingen Variant Classification Criteria Version 2. Collection method: clinical testing. Allele origin: germline. Affected: yes. Observed: 1 variant allele.
Comment: CCDC136: BP4, BP7, BS2